The following is an entry in ClinVar:

NM_001276345.2(TNNT2):c.517G>C (p.Glu173Gln)

Gene: TNNT2 (troponin T2, cardiac type; minus strand). Cytogenetic location: 1q32.1.
Variant type: single nucleotide variant.
Coding change: c.517G>C on transcript NM_001276345.2 (MANE Select); coding-DNA position 517, G replaced by C.
Protein change: p.Glu173Gln; replaces glutamic acid 173 with glutamine.
Molecular consequence: missense variant.
Genome position (GRCh38, 1-based): chr1:201,363,379, C>G on the plus strand (G>C on the coding strand, the complement: TNNT2 is on the minus strand). VCF-style: chr1-201363379-C-G. GRCh37 (hg19) VCF-style: chr1-201332507-C-G.
Other names: c.517G>C, p.Glu173Gln (NM_000364.4); c.487G>C, p.Glu163Gln (NM_001001430.3, NM_001001431.3, NM_001276347.2); c.472G>C, p.Glu158Gln (NM_001001432.3); c.397G>C, p.Glu133Gln (NM_001276346.2); short protein forms E133Q, E158Q, E163Q, E173Q.
Identifiers: ClinVar variation 1284760 (VCV001284760.6), dbSNP rs1558225569, ClinGen allele CA344204546.

ClinVar aggregate classification (germline): Uncertain significance. Review status: criteria provided, multiple submitters, no conflicts (2 of 4 stars). 4 submissions from 4 submitters: Uncertain significance (2). 2 of the submissions do not count toward it. Last evaluated 2025-02-25.

Conditions:
Dilated cardiomyopathy 1D. Identifiers: Orphanet 154, Orphanet 54260, MedGen C1832243, MONDO:0011095, OMIM 601494.
Cardiomyopathy, familial restrictive, 3. Identifiers: Orphanet 75249, MedGen C2676271, MONDO:0012900, OMIM 612422.
Hypertrophic cardiomyopathy 2. Also called: TNNT2-Related Familial Hypertrophic Cardiomyopathy. Identifiers: MedGen C1861864, MONDO:0007266, OMIM 115195.

Allele frequency attached by ClinVar (database versions not stated): gnomAD exomes below 0.00001.
gnomAD v4.1: 1 of 1,613,906 alleles (0.000062%); highest among the groups gnomAD compares: Non-Finnish European, 0.000085%; no homozygotes.

Submissions (4):

Labcorp Genetics (formerly Invitae), Labcorp
Classification: Uncertain significance for Cardiomyopathy, familial restrictive, 3; Hypertrophic cardiomyopathy 2; Dilated cardiomyopathy 1D. Last evaluated: 2025-02-25. Review status: criteria provided, single submitter. Criteria: Invitae Variant Classification Sherloc (09022015). Collection method: clinical testing. Allele origin: germline.
Comment: This sequence change replaces glutamic acid, which is acidic and polar, with glutamine, which is neutral and polar, at codon 163 of the TNNT2 protein (p.Glu163Gln). This variant is not present in population databases (gnomAD no frequency). This variant has not been reported in the literature in individuals affected with TNNT2-related conditions. ClinVar contains an entry for this variant (Variation ID: 1284760). Invitae Evidence Modeling of protein sequence and biophysical properties (such as structural, functional, and spatial information, amino acid conservation, physicochemical variation, residue mobility, and thermodynamic stability) indicates that this missense variant is not expected to disrupt TNNT2 protein function with a negative predictive value of 80%. This variant disrupts the p.Glu163 amino acid residue in TNNT2. Other variant(s) that disrupt this residue have been determined to be pathogenic (PMID: 7898523, 22112859, 29398688; internal data). This suggests that this residue is clinically significant, and that variants that disrupt this residue are likely to be disease-causing. In summary, the available evidence is currently insufficient to determine the role of this variant in disease. Therefore, it has been classified as a Variant of Uncertain Significance.

Revvity Omics, Revvity
Classification: Uncertain significance. Last evaluated: 2023-09-14. Review status: criteria provided, single submitter. Criteria: ACMG Guidelines, 2015. Collection method: clinical testing. Allele origin: germline.

Clinical Genetics, Academic Medical Center
Classification: Uncertain significance. Review status: no assertion criteria provided. Collection method: clinical testing. Allele origin: germline. Affected: yes. Study: VKGL Data-share Consensus. Not counted in ClinVar's aggregate classification.

Diagnostic Laboratory, Department of Genetics, University Medical Center Groningen
Classification: Uncertain significance. Review status: no assertion criteria provided. Collection method: clinical testing. Allele origin: germline. Affected: yes. Study: VKGL Data-share Consensus. Not counted in ClinVar's aggregate classification.

Literature cited by the submitters: PubMed 7898523 (cited by Labcorp Genetics (formerly Invitae), Labcorp); PubMed 22112859 (cited by Labcorp Genetics (formerly Invitae), Labcorp); PubMed 29398688 (cited by Labcorp Genetics (formerly Invitae), Labcorp).